The following is an entry in ClinVar:

NM_020975.6(RET):c.2307delinsTCGAGACCTGCTGTCAGAGTTCAACGTGAGCTT (p.Leu779fs)

Gene: RET (ret proto-oncogene; plus strand). Cytogenetic location: 10q11.21.
Variant type: Indel.
Coding change: c.2307delinsTCGAGACCTGCTGTCAGAGTTCAACGTGAGCTT on transcript NM_020975.6 (MANE Select); coding-DNA position 2307, the reference bases replaced by an inserted sequence.
Protein change: p.Leu779fs; shifts the reading frame from leucine 779.
Molecular consequence: frameshift variant.
Genome position (GRCh38, 1-based): chr10:43,118,395, one base replaced. GRCh37 (hg19), VCF-style position (the base before the change): chr10:43,613,843.
Other names: c.2333_2334insGAGCTTCGAGACCTGCTGTCAGAGTTCAACGT (NM_020975.4); c.1545delinsTCGAGACCTGCTGTCAGAGTTCAACGTGAGCTT, p.Leu525fs (NM_001355216.2); c.2307delinsTCGAGACCTGCTGTCAGAGTTCAACGTGAGCTT, p.Leu779fs (NM_001406743.1, NM_001406744.1, NM_001406759.1 and 2 more transcripts); c.2178delinsTCGAGACCTGCTGTCAGAGTTCAACGTGAGCTT, p.Leu736fs (NM_001406761.1, NM_001406762.1, NM_001406764.1); c.2172delinsTCGAGACCTGCTGTCAGAGTTCAACGTGAGCTT, p.Leu734fs (NM_001406763.1, NM_001406765.1); c.2019delinsTCGAGACCTGCTGTCAGAGTTCAACGTGAGCTT, p.Leu683fs (NM_001406766.1, NM_001406767.1, NM_001406770.1); c.2043delinsTCGAGACCTGCTGTCAGAGTTCAACGTGAGCTT, p.Leu691fs (NM_001406768.1); c.1911delinsTCGAGACCTGCTGTCAGAGTTCAACGTGAGCTT, p.Leu647fs (NM_001406769.1, NM_001406772.1); and 11 more; short protein forms L296fs, L384fs, L435fs, L525fs, L736fs, L437fs, L537fs, L647fs.
Identifiers: ClinVar variation 3788357 (VCV003788357.1).

ClinVar aggregate classification (germline): Pathogenic (1 of 4 stars; one submission).

Conditions:
Hereditary cancer-predisposing syndrome. Also called: Neoplastic Syndromes, Hereditary; Hereditary Cancer Syndrome; Tumor predisposition; Hereditary neoplastic syndrome. Identifiers: Orphanet 140162, MedGen C0027672, MeSH D009386, MONDO:0015356.

Submission:

Ambry Genetics
Classification: Pathogenic for Hereditary cancer-predisposing syndrome. Last evaluated: 2025-02-25. Review status: criteria provided, single submitter. Criteria: Ambry Variant Classification Scheme 2023. Collection method: clinical testing. Allele origin: germline.
Comment: The c.2333_2334insGAGCTTCGAGACCTGCTGTCAGAGTTCAACGT (p.L779Sfs*12) alteration, located in exon 13 (coding exon 13) of the RET gene, consists of an insertion of GAGCTTCGAGACCTGCTGTCAGAGTTCAACGT at position 2333, causing a translational frameshift with a predicted alternate stop codon after 12 amino acids. This alteration is expected to result in loss of function by premature protein truncation or nonsense-mediated mRNA decay. Loss-of-function variants in RET are known to cause Hirschsprung disease; however, such associations with Multiple Endocrine Neoplasia Type-2 (MEN2) have not been observed (Amiel, 2001; Wagner, 2012). Based on the supporting evidence, this alteration is pathogenic for Hirschsprung disease; however, the association of this alteration with MEN2 is unlikely. This variant was not reported in population-based cohorts in the Genome Aggregation Database (gnomAD). Based on the available evidence, this alteration is classified as pathogenic.

Literature cited by the submitters: PubMed 11694544; PubMed 22584710.